The following is an entry in ClinVar:

ClinVar aggregate classification (germline): Pathogenic (1 of 4 stars; one submission).

Conditions:
Recessive dystrophic epidermolysis bullosa (RDEB). Also called: DYSTROPHIC EPIDERMOLYSIS BULLOSA, AUTOSOMAL RECESSIVE; EPIDERMOLYSIS BULLOSA DYSTROPHICA, HALLOPEAU-SIEMENS TYPE; Hallopeau-Siemens Disease; severe generalized recessive dystrophic epidermolysis bullosa; EPIDERMOLYSIS BULLOSA DYSTROPHICA, GENERALIZED SEVERE, AUTOSOMAL RECESSIVE; Epidermolysis Bullosa Distrophica Autosomal Recessive (RDEB). Identifiers: Orphanet 79408, Orphanet 79409, MedGen C0079474, MONDO:0009179, OMIM 226600.

Submission:

Myriad Genetics, Inc.
Classification: Pathogenic for Recessive dystrophic epidermolysis bullosa. Last evaluated: 2024-06-23. Review status: criteria provided, single submitter. Criteria: Myriad Autosomal Dominant, Autosomal Recessive and X-Linked Classification Criteria (2023). Collection method: clinical testing. Allele origin: unknown.
Comment: NM_000094.3(COL7A1):c.1983C>G(Y661*) is expected to be pathogenic in the context of dystrophic epidermolysis bullosa. This variant is predicted to lead to an abnormal or absent protein product due to the creation of a premature termination codon in COL7A1, a gene where loss-of-function variants are known to be pathogenic. Please note: this variant was assessed in the context of healthy population screening.

NM_000094.4(COL7A1):c.1983C>G (p.Tyr661Ter)

Gene: COL7A1 (collagen type VII alpha 1 chain; minus strand). Cytogenetic location: 3p21.31.
Variant type: single nucleotide variant.
Coding change: c.1983C>G on transcript NM_000094.4 (MANE Select); coding-DNA position 1983, C replaced by G.
Protein change: p.Tyr661Ter; replaces tyrosine 661 with a stop codon.
Molecular consequence: nonsense.
Genome position (GRCh38, 1-based): chr3:48,590,280, G>C on the plus strand (C>G on the coding strand, the complement: COL7A1 is on the minus strand). VCF-style: chr3-48590280-G-C. GRCh37 (hg19) VCF-style: chr3-48627713-G-C.
Other names: short protein forms Y661*.
Identifiers: ClinVar variation 5013227 (VCV005013227.1).